The following is an entry in ClinVar:

ClinVar aggregate classification (germline): Pathogenic (1 of 4 stars; one submission).

Submission:

Labcorp Genetics (formerly Invitae), Labcorp
Classification: Pathogenic. Last evaluated: 2023-07-28. Review status: criteria provided, single submitter. Criteria: Invitae Variant Classification Sherloc (09022015). Collection method: clinical testing. Allele origin: germline.
Comment: This variant is not present in population databases (gnomAD no frequency). This variant has not been reported in the literature in individuals affected with COL2A1-related conditions. ClinVar contains an entry for this variant (Variation ID: 2035253). For these reasons, this variant has been classified as Pathogenic. This sequence change creates a premature translational stop signal (p.Glu84Serfs*33) in the COL2A1 gene. It is expected to result in an absent or disrupted protein product. Loss-of-function variants in COL2A1 are known to be pathogenic (PMID: 20179744).

Literature cited by the submitters: PubMed 20179744.

NM_001844.5(COL2A1):c.250del (p.Glu84fs)

Gene: COL2A1 (collagen type II alpha 1 chain; minus strand). Cytogenetic location: 12q13.11.
Variant type: Deletion.
Coding change: c.250del on transcript NM_001844.5 (MANE Select); coding-DNA position 250, one base deleted (G; older notation c.250delG).
Protein change: p.Glu84fs; shifts the reading frame from glutamic acid 84.
Molecular consequence: frameshift variant. On other transcripts: intron variant (1).
Genome position (GRCh38, 1-based): chr12:47,999,961, C deleted on the plus strand (G on the coding strand, the reverse complement: COL2A1 is on the minus strand). VCF-style (leftmost placement, unchanged base first): chr12-47999960-TC-T. GRCh37 (hg19) VCF-style: chr12-48393743-TC-T.
Other names: c.86-1530del (NM_033150.3); short protein forms E84fs.
Identifiers: ClinVar variation 2035253 (VCV002035253.4), dbSNP rs2540187424, ClinGen allele CA2580085555.